The following is an entry in ClinVar:

ClinVar aggregate classification (germline): Uncertain significance (1 of 4 stars; one submission).

Allele frequency attached by ClinVar (database versions not stated): gnomAD exomes 0.00001; ExAC 0.00002.
gnomAD v4.1: 8 of 1,614,064 alleles (0.0005%); highest among the groups gnomAD compares: South Asian, 0.0088%; no homozygotes.

Submission:

Labcorp Genetics (formerly Invitae), Labcorp
Classification: Uncertain significance. Last evaluated: 2022-12-06. Review status: criteria provided, single submitter. Criteria: Invitae Variant Classification Sherloc (09022015). Collection method: clinical testing. Allele origin: germline.
Comment: In summary, the available evidence is currently insufficient to determine the role of this variant in disease. Therefore, it has been classified as a Variant of Uncertain Significance. Advanced modeling of protein sequence and biophysical properties (such as structural, functional, and spatial information, amino acid conservation, physicochemical variation, residue mobility, and thermodynamic stability) performed at Invitae indicates that this missense variant is not expected to disrupt WDR62 protein function. ClinVar contains an entry for this variant (Variation ID: 1380158). This variant has not been reported in the literature in individuals affected with WDR62-related conditions. This variant is present in population databases (rs776100948, gnomAD 0.01%). This sequence change replaces aspartic acid, which is acidic and polar, with glycine, which is neutral and non-polar, at codon 1082 of the WDR62 protein (p.Asp1082Gly).

NM_001083961.2(WDR62):c.3245A>G (p.Asp1082Gly)

Gene: WDR62 (WD repeat domain 62; plus strand). Cytogenetic location: 19q13.12.
Variant type: single nucleotide variant.
Coding change: c.3245A>G on transcript NM_001083961.2 (MANE Select); coding-DNA position 3245, A replaced by G.
Protein change: p.Asp1082Gly; replaces aspartic acid 1082 with glycine.
Molecular consequence: missense variant.
Genome position (GRCh38, 1-based): chr19:36,102,761, A>G. VCF-style: chr19-36102761-A-G. GRCh37 (hg19) VCF-style: chr19-36593663-A-G.
Other names: c.3230A>G, p.Asp1077Gly (NM_173636.5); short protein forms D1077G, D1082G.
Identifiers: ClinVar variation 1380158 (VCV001380158.8), dbSNP rs776100948, ClinGen allele CA9396225.